The following is an entry in ClinVar:

NM_000264.5(PTCH1):c.3032A>G (p.Asn1011Ser)

Gene: PTCH1 (patched 1; minus strand). Cytogenetic location: 9q22.32.
Variant type: single nucleotide variant.
Coding change: c.3032A>G on transcript NM_000264.5 (MANE Select); coding-DNA position 3032, A replaced by G.
Protein change: p.Asn1011Ser; replaces asparagine 1011 with serine.
Molecular consequence: missense variant. On other transcripts: non-coding transcript variant (1).
Genome position (GRCh38, 1-based): chr9:95,458,149, T>C on the plus strand (A>G on the coding strand, the complement: PTCH1 is on the minus strand). VCF-style: chr9-95458149-T-C. GRCh37 (hg19) VCF-style: chr9-98220431-T-C.
Other names: c.3032A>G (NM_000264.4); c.2834A>G, p.Asn945Ser (NM_001083602.3); c.3029A>G, p.Asn1010Ser (NM_001083603.3); c.2579A>G, p.Asn860Ser (NM_001083604.3, NM_001083605.3, NM_001083606.3 and 1 more transcripts); c.2876A>G, p.Asn959Ser (NM_001354918.2); short protein forms N945S, N959S, N1010S, N860S, N1011S.
Identifiers: ClinVar variation 657327 (VCV000657327.14), dbSNP rs780425276, ClinGen allele CA5138267.

ClinVar aggregate classification (germline): Uncertain significance. Review status: criteria provided, multiple submitters, no conflicts (2 of 4 stars). 4 submissions from 4 submitters: Uncertain significance (4). Last evaluated 2026-02-03.

Conditions:
Gorlin syndrome. Also called: Nevoid Basal Cell Carcinoma Syndrome; Basal cell nevus syndrome. Identifiers: Orphanet 377, MedGen C0004779, MONDO:0007187.
Hereditary cancer-predisposing syndrome. Also called: Neoplastic Syndromes, Hereditary; Hereditary neoplastic syndrome; Hereditary Cancer Syndrome; Tumor predisposition. Identifiers: Orphanet 140162, MedGen C0027672, MeSH D009386, MONDO:0015356.
PTCH1-related disorder. Also called: PTCH1-related disorders; PTCH1-related condition.

Allele frequency attached by ClinVar (database versions not stated): gnomAD exomes below 0.00001; ExAC 0.00001; gnomAD 0.00001 and 0.00002; TOPMed 0.00001.
gnomAD v4.1: 6 of 1,614,040 alleles (0.00037%); highest among the groups gnomAD compares: South Asian, 0.0022%; no homozygotes.

Submissions (4):

Labcorp Genetics (formerly Invitae), Labcorp
Classification: Uncertain significance for Gorlin syndrome. Last evaluated: 2026-02-03. Review status: criteria provided, single submitter. Criteria: Invitae Variant Classification Sherloc (09022015). Collection method: clinical testing. Allele origin: germline.
Comment: This sequence change replaces asparagine, which is neutral and polar, with serine, which is neutral and polar, at codon 1011 of the PTCH1 protein (p.Asn1011Ser). This variant is not present in population databases (gnomAD no frequency). This variant has not been reported in the literature in individuals affected with PTCH1-related conditions. ClinVar contains an entry for this variant (Variation ID: 657327). Invitae Evidence Modeling of protein sequence and biophysical properties (such as structural, functional, and spatial information, amino acid conservation, physicochemical variation, residue mobility, and thermodynamic stability) indicates that this missense variant is not expected to disrupt PTCH1 protein function with a negative predictive value of 95%. In summary, the available evidence is currently insufficient to determine the role of this variant in disease. Therefore, it has been classified as a Variant of Uncertain Significance.

Ambry Genetics
Classification: Uncertain significance for Hereditary cancer-predisposing syndrome. Last evaluated: 2025-03-04. Review status: criteria provided, single submitter. Criteria: Ambry Variant Classification Scheme 2023. Collection method: clinical testing. Allele origin: germline.
Comment: The p.N1011S variant (also known as c.3032A>G), located in coding exon 18 of the PTCH1 gene, results from an A to G substitution at nucleotide position 3032. The asparagine at codon 1011 is replaced by serine, an amino acid with highly similar properties. This amino acid position is highly conserved in available vertebrate species. In addition, this alteration is predicted to be tolerated by in silico analysis. Based on the available evidence, the clinical significance of this variant remains unclear.

Quest Diagnostics Nichols Institute San Juan Capistrano
Classification: Uncertain significance. Last evaluated: 2025-01-30. Review status: criteria provided, single submitter. Criteria: Quest Diagnostics criteria. Collection method: clinical testing. Allele origin: unknown.

PreventionGenetics, part of Exact Sciences
Classification: Uncertain significance for PTCH1-related condition. Last evaluated: 2023-04-24. Review status: criteria provided, single submitter. Criteria: ACMG Guidelines, 2015. Collection method: clinical testing. Allele origin: germline.
Comment: The PTCH1 c.3032A>G variant is predicted to result in the amino acid substitution p.Asn1011Ser. To our knowledge, this variant has not been reported in the literature or in a large population database, indicating this variant is rare. At this time, the clinical significance of this variant is uncertain due to the absence of conclusive functional and genetic evidence.